The following is an entry in ClinVar:

ClinVar aggregate classification (germline): Benign/Likely benign. Review status: criteria provided, multiple submitters, no conflicts (2 of 4 stars). 12 submissions from 9 submitters: Benign (6); Likely benign (5). 1 of the submissions does not count toward it. Last evaluated 2026-03-27.

Conditions:
TTN-related disorder. Also called: TTN-related condition; TTN-related disease; TTN-related disorders.
Cardiovascular phenotype. Identifiers: MedGen CN230736.
Dilated cardiomyopathy 1G (CMD1G). Identifiers: Orphanet 154, MedGen C1858763, MONDO:0011400, OMIM 604145.
Autosomal recessive limb-girdle muscular dystrophy type 2J (LGMDR10). Also called: Limb-girdle muscular dystrophy, type 2J; MUSCULAR DYSTROPHY, LIMB-GIRDLE, AUTOSOMAL RECESSIVE 10. Identifiers: Orphanet 140922, MedGen C1837342, MONDO:0012127, OMIM 608807.
Early-onset myopathy with fatal cardiomyopathy (CMYO5). Also called: Salih Myopathy; CONGENITAL MYOPATHY 5 WITH CARDIOMYOPATHY. Identifiers: Orphanet 289377, MedGen C2673677, MONDO:0012714, OMIM 611705. Disease mechanism: loss of function.
Myopathy, myofibrillar, 9, with early respiratory failure (MFM9). Also called: Hereditary myopathy with early respiratory failure; Myopathy, distal, with early respiratory failure, autosomal dominant; EDSTROM MYOPATHY; MYOPATHY, PROXIMAL, WITH EARLY RESPIRATORY MUSCLE INVOLVEMENT. Identifiers: Orphanet 178464, Orphanet 34521, MedGen C1863599, MONDO:0011362, OMIM 603689.
Tibial muscular dystrophy (TMD). Also called: Udd Distal Myopathy – Tibial Muscular Dystrophy; Tibial muscular dystrophy, tardive; UDD MYOPATHY. Identifiers: Orphanet 609, MedGen C1838244, MONDO:0010870, OMIM 600334.

Allele frequency attached by ClinVar (database versions not stated): ESP Exome Variant Server 0.00008; gnomAD 0.00011 and 0.00023; TOPMed 0.00012; gnomAD exomes 0.00074; 1000 Genomes Project 30x 0.00078; ExAC 0.00087; 1000 Genomes Project 0.00100.
gnomAD v4.1: 568 of 1,613,770 alleles (0.035%); highest among the groups gnomAD compares: South Asian, 0.45%; 8 homozygotes.

Submissions (12):

Molecular Diagnostic Laboratory for Inherited Cardiovascular Disease, Montreal Heart Institute
Classification: Likely benign. Last evaluated: 2026-03-27. Review status: criteria provided, single submitter. Criteria: ACMG Guidelines, 2015. Collection method: clinical testing. Allele origin: germline. Affected: no.
Comment: BS1;BP1

Labcorp Genetics (formerly Invitae), Labcorp
Classification: Benign for Dilated cardiomyopathy 1G; Autosomal recessive limb-girdle muscular dystrophy type 2J. Last evaluated: 2025-11-27. Review status: criteria provided, single submitter. Criteria: Invitae Variant Classification Sherloc (09022015). Collection method: clinical testing. Allele origin: germline.

CeGaT Center for Human Genetics Tuebingen
Classification: Likely benign. Last evaluated: 2025-01-01. Review status: criteria provided, single submitter. Criteria: CeGaT Center For Human Genetics Tuebingen Variant Classification Criteria Version 2. Collection method: clinical testing. Allele origin: germline. Affected: yes. Observed: 2 variant alleles.
Comment: TTN: BP4, BS2

Genome-Nilou Lab
Classification: Benign for Autosomal recessive limb-girdle muscular dystrophy type 2J. Last evaluated: 2021-09-10. Review status: criteria provided, single submitter. Criteria: ACMG Guidelines, 2015. Collection method: clinical testing. Allele origin: germline. Affected: no.

Genome-Nilou Lab
Classification: Benign for Myopathy, myofibrillar, 9, with early respiratory failure. Last evaluated: 2021-09-10. Review status: criteria provided, single submitter. Criteria: ACMG Guidelines, 2015. Collection method: clinical testing. Allele origin: germline. Affected: no.

Genome-Nilou Lab
Classification: Benign for Early-onset myopathy with fatal cardiomyopathy. Last evaluated: 2021-09-10. Review status: criteria provided, single submitter. Criteria: ACMG Guidelines, 2015. Collection method: clinical testing. Allele origin: germline. Affected: no.

Genome-Nilou Lab
Classification: Benign for Tibial muscular dystrophy. Last evaluated: 2021-09-10. Review status: criteria provided, single submitter. Criteria: ACMG Guidelines, 2015. Collection method: clinical testing. Allele origin: germline. Affected: no.

GeneDx
Classification: Benign. Last evaluated: 2018-12-11. Review status: criteria provided, single submitter. Criteria: GeneDx Variant Classification Process June 2021. Collection method: clinical testing. Allele origin: germline. Affected: yes.

Ambry Genetics
Classification: Likely benign for Cardiovascular phenotype. Last evaluated: 2016-02-25. Review status: criteria provided, single submitter. Criteria: Ambry Variant Classification Scheme 2023. Collection method: clinical testing. Allele origin: germline.

Eurofins Ntd Llc (ga)
Classification: Likely benign. Last evaluated: 2015-10-02. Review status: criteria provided, single submitter. Criteria: EGL Classification Definitions 2015. Collection method: clinical testing. Allele origin: germline. Observed: 1 variant allele, 1 heterozygote.

Laboratory for Molecular Medicine, Mass General Brigham Personalized Medicine
Classification: Likely benign. Last evaluated: 2013-03-06. Review status: criteria provided, single submitter. Criteria: LMM Criteria. Collection method: clinical testing. Allele origin: somatic. Observed: 1 variant allele.
Comment: Asp26936Asn in exon 280 of TTN: This variant is not expected to have clinical si gnificance due to a lack of conservation across species. Multiple mammals, inclu ding mouse, bushbaby, and horse, have an asparagine (Asp) at this position despi te high nearby amino acid conservation. In addition, computational analyses (Ali gnGVGD, PolyPhen2, SIFT) do not suggest a high likelihood of impact to the prote in. This variant has been identified in 1/8260 European American chromosomes fro m a broad population by the NHLBI Exome Sequencing Project.

PreventionGenetics, part of Exact Sciences
Classification: Likely benign for TTN-related condition. Last evaluated: 2019-05-21. Review status: no assertion criteria provided. Collection method: clinical testing. Allele origin: germline. Not counted in ClinVar's aggregate classification.
Comment: This variant is classified as likely benign based on ACMG/AMP sequence variant interpretation guidelines (Richards et al. 2015 PMID: 25741868, with internal and published modifications).

NM_001267550.2(TTN):c.88510G>A (p.Asp29504Asn)

Genes: TTN (titin; minus strand), TTN-AS1 (TTN antisense RNA 1; plus strand). Cytogenetic location: 2q31.2.
Variant type: single nucleotide variant.
Coding change: c.88510G>A on transcript NM_001267550.2 (MANE Select); coding-DNA position 88510, G replaced by A.
Protein change: p.Asp29504Asn; replaces aspartic acid 29504 with asparagine.
Molecular consequence: missense variant.
Genome position (GRCh38, 1-based): chr2:178,554,949, C>T on the plus strand (G>A on the coding strand, the complement: TTN is on the minus strand). VCF-style: chr2-178554949-C-T. GRCh37 (hg19) VCF-style: chr2-179419676-C-T.
Other names: c.61315G>A, p.Asp20439Asn (NM_003319.4); c.80806G>A, p.Asp26936Asn (NM_133378.4); c.83587G>A, p.Asp27863Asn (NM_001256850.1); c.61690G>A, p.Asp20564Asn (NM_133432.3); c.61891G>A, p.Asp20631Asn (NM_133437.4); short protein forms D29504N, D26936N, D27863N, D20439N, D20564N, D20631N.
Identifiers: ClinVar variation 47482 (VCV000047482.45), dbSNP rs376679796, ClinGen allele CA141146.